The following is an entry in ClinVar:

ClinVar aggregate classification (germline): Uncertain significance. Review status: criteria provided, single submitter (1 of 4 stars). 2 submissions from 2 submitters: Uncertain significance (1). 1 of the submissions does not count toward it. Last evaluated 2021-09-02.

Conditions:
Holocarboxylase synthetase deficiency. Also called: MULTIPLE CARBOXYLASE DEFICIENCY, EARLY ONSET. Identifiers: Orphanet 79242, MedGen C0268581, MONDO:0009666, OMIM 253270.

Submissions (2):

Labcorp Genetics (formerly Invitae), Labcorp
Classification: Uncertain significance for Holocarboxylase synthetase deficiency. Last evaluated: 2021-09-02. Review status: criteria provided, single submitter. Criteria: Invitae Variant Classification Sherloc (09022015). Collection method: clinical testing. Allele origin: germline.
Comment: This variant, c.2060_2062dup, results in the insertion of 1 amino acid(s) to the HLCS protein (p.Val687dup), but otherwise preserves the integrity of the reading frame. The frequency data for this variant in the population databases is considered unreliable, as metrics indicate poor data quality at this position in the ExAC database. This variant has not been reported in the literature in individuals affected with HLCS-related conditions. ClinVar contains an entry for this variant (Variation ID: 553686). Experimental studies and prediction algorithms are not available or were not evaluated, and the functional significance of this variant is currently unknown. In summary, the available evidence is currently insufficient to determine the role of this variant in disease. Therefore, it has been classified as a Variant of Uncertain Significance.

Counsyl
Classification: Uncertain significance for Holocarboxylase synthetase deficiency. Last evaluated: 2017-09-12. Review status: no assertion criteria provided. Collection method: clinical testing. Allele origin: unknown. Not counted in ClinVar's aggregate classification.

NM_001352514.2(HLCS):c.2501_2503dup (p.Val834dup)

Gene: HLCS (holocarboxylase synthetase; minus strand). Cytogenetic location: 21q22.13.
Variant type: Duplication.
Coding change: c.2501_2503dup on transcript NM_001352514.2 (MANE Select); coding-DNA positions 2501 to 2503, 3 bases duplicated (TTG; older notation c.2501_2503dupTTG).
Protein change: p.Val834dup; duplicates valine 834.
Molecular consequence: inframe insertion. On other transcripts: non-coding transcript variant (2).
Genome position (GRCh38, 1-based): chr21:36,754,365-36,754,367, CAA duplicated on the plus strand (TTG on the coding strand, the reverse complement: HLCS is on the minus strand); duplicating any 3 consecutive bases within chr21:36,754,365-36,754,368 gives the same sequence; the c. name uses the placement nearest the transcript's 3' end. VCF-style (leftmost placement, unchanged base first): chr21-36754364-C-CCAA. GRCh37 (hg19) VCF-style: chr21-38126665-C-CCAA.
Other names: c.2060_2062dup, p.Val687dup (NM_000411.8, NM_001242784.3, NM_001242785.2 and 4 more transcripts).
Identifiers: ClinVar variation 553686 (VCV000553686.4), dbSNP rs773191073, ClinGen allele CA10020235.
Genomic context (GRCh38, chr21:36,754,364, plus strand): 5'-TGCACAGTCACAACCTCGCCGCCCTCCTGGTGAACCTGGAGGAAGCCAGAATCGTCCAGG[C>CCAA]CAACGATGGACACCTTTGGTCCCTCTGCGCTGCCCAGATGGACTTGCTGACCACTGAAAA-3'